The following is an entry in ClinVar:

ClinVar aggregate classification (germline): Benign (3 of 4 stars; one submission).

Conditions:
Breast-ovarian cancer, familial, susceptibility to, 2 (BROVCA2). Also called: BRCA2 Hereditary Breast and Ovarian Cancer. Identifiers: Orphanet 145, MedGen C2675520, MONDO:0012933, OMIM 612555. Disease mechanism: loss of function.

Allele frequency attached by ClinVar (database versions not stated): gnomAD 0.00988 and 0.01067; 1000 Genomes Project 0.00998; 1000 Genomes Project 30x 0.01031; TOPMed 0.01080.
gnomAD v4.1: 1,470 of 149,986 alleles (0.98%); highest among the groups gnomAD compares: African/African-American, 3.4%; 29 homozygotes.

Submission:

Evidence-based Network for the Interpretation of Germline Mutant Alleles (ENIGMA)
Classification: Benign for Breast-ovarian cancer, familial 2. Last evaluated: 2015-01-12. Review status: reviewed by expert panel. Criteria: ENIGMA BRCA1/2 Classification Criteria (2015). Collection method: curation. Allele origin: germline.
Comment: Class 1 not pathogenic based on frequency >1% in an outbred sampleset. Frequency 0.04268 (African), derived from 1000 genomes (2012-04-30).

NM_000059.4(BRCA2):c.681+298T>A

Gene: BRCA2 (BRCA2 DNA repair associated; plus strand). Cytogenetic location: 13q13.1.
Variant type: single nucleotide variant.
Coding change: c.681+298T>A on transcript NM_000059.4 (MANE Select); 298 bases into the intron after coding-DNA position 681, T replaced by A.
Molecular consequence: intron variant.
Genome position (GRCh38, 1-based): chr13:32,329,790, T>A. VCF-style: chr13-32329790-T-A. GRCh37 (hg19) VCF-style: chr13-32903927-T-A.
Other names: IVS 8+298T>A.
Identifiers: ClinVar variation 209665 (VCV000209665.1), dbSNP rs11571628, ClinGen allele CA276634.